The following is an entry in ClinVar:

ClinVar aggregate classification (germline): Uncertain significance (1 of 4 stars; one submission).

Conditions:
Larsen-like syndrome, B3GAT3 type. Also called: Multiple joint dislocations, short stature, craniofacial dysmorphism, with or without congenital heart defects; MULTIPLE JOINT DISLOCATIONS, SHORT STATURE, AND CRANIOFACIAL DYSMORPHISM WITH OR WITHOUT CONGENITAL HEART DEFECTS. Identifiers: Orphanet 284139, MedGen CN034159, MONDO:0009511, OMIM 245600.

Submission:

Labcorp Genetics (formerly Invitae), Labcorp
Classification: Uncertain significance for Larsen-like syndrome, B3GAT3 type. Last evaluated: 2023-08-01. Review status: criteria provided, single submitter. Criteria: Invitae Variant Classification Sherloc (09022015). Collection method: clinical testing. Allele origin: germline.
Comment: In summary, the available evidence is currently insufficient to determine the role of this variant in disease. Therefore, it has been classified as a Variant of Uncertain Significance. An algorithm developed to predict the effect of missense changes on protein structure and function (PolyPhen-2) suggests that this variant is likely to be disruptive. This variant has not been reported in the literature in individuals affected with B3GAT3-related conditions. This variant is not present in population databases (gnomAD no frequency). This sequence change replaces serine, which is neutral and polar, with proline, which is neutral and non-polar, at codon 329 of the B3GAT3 protein (p.Ser329Pro).

NM_012200.4(B3GAT3):c.985T>C (p.Ser329Pro)

Gene: B3GAT3 (beta-1,3-glucuronyltransferase 3; minus strand). Cytogenetic location: 11q12.3.
Variant type: single nucleotide variant.
Coding change: c.985T>C on transcript NM_012200.4 (MANE Select); coding-DNA position 985, T replaced by C.
Protein change: p.Ser329Pro; replaces serine 329 with proline.
Molecular consequence: missense variant. On other transcripts: 3 prime UTR variant (2), non-coding transcript variant (1).
Genome position (GRCh38, 1-based): chr11:62,615,724, A>G on the plus strand (T>C on the coding strand, the complement: B3GAT3 is on the minus strand). VCF-style: chr11-62615724-A-G. GRCh37 (hg19) VCF-style: chr11-62383196-A-G.
Other names: c.964T>C, p.Ser322Pro (NM_001288721.2); c.*462T>C (NM_001288722.2); c.*478T>C (NM_001288723.2); short protein forms S322P, S329P.
Identifiers: ClinVar variation 2749088 (VCV002749088.3), dbSNP rs2496231588, ClinGen allele CA380973939.